The following is an entry in ClinVar:

NM_000036.3(AMPD1):c.-45CTT[1]

Gene: AMPD1 (adenosine monophosphate deaminase 1; minus strand). Cytogenetic location: 1p13.2.
Variant type: Microsatellite.
Coding change: c.-45CTT[1] on transcript NM_000036.3 (MANE Select); one copy of the 3-base unit CTT starting at c.-45; the reference has two copies in a row; one copy, 3 bases deleted.
Molecular consequence: 5 prime UTR variant.
Genome position (GRCh38, 1-based): chr1:114,695,511-114,695,513, AAG deleted on the plus strand (CTT on the coding strand, the reverse complement: AMPD1 is on the minus strand); deleting any 3 consecutive bases within chr1:114,695,511-114,695,517 gives the same sequence; the position shown is the placement nearest the transcript's 3' end. VCF-style (leftmost placement, unchanged base first): chr1-114695510-AAAG-A. GRCh37 (hg19) VCF-style: chr1-115238131-AAAG-A.
Other names: c.-45CTT[1] (NM_001172626.2).
Identifiers: ClinVar variation 1974381 (VCV001974381.5), dbSNP rs1168705971, ClinGen allele CA525406050.
Genomic context (GRCh38, chr1:114,695,510, plus strand): 5'-CTGGGAGTTTGAACAGAGGCATTGTTGCTGAAATCCTTGATTCTAGGATAGCACAGTAGA[AAAG>A]AAGAGAGAGGAGACTGTGGGGTGACTGACTGACACTATAAAATATCCTGACATTCATTTT-3'

ClinVar aggregate classification (germline): Uncertain significance (1 of 4 stars; one submission).

Conditions:
Muscle AMP deaminase deficiency (MMDD). Also called: Myoadenylate deaminase deficiency, myopathy due to; AMPD1 DEFICIENCY; Adenosine monophosphate deaminase 1 deficiency; AMP deaminase 1 deficiency; Adenosine Monophosphate Deaminase 1; ADENOSINE MONOPHOSPHATE DEAMINASE-1 DEFICIENCY, MYOPATHY DUE TO. Identifiers: Orphanet 45, MedGen C3714933, MONDO:0014220, OMIM 615511.

Submission:

Labcorp Genetics (formerly Invitae), Labcorp
Classification: Uncertain significance for Muscle AMP deaminase deficiency. Last evaluated: 2024-08-31. Review status: criteria provided, single submitter. Criteria: Invitae Variant Classification Sherloc (09022015). Collection method: clinical testing. Allele origin: germline.
Comment: This variant, c.58_60del, results in the deletion of 1 amino acid(s) of the AMPD1 protein (p.Leu20del), but otherwise preserves the integrity of the reading frame. This variant is present in population databases (no rsID available, gnomAD 0.007%). This variant has not been reported in the literature in individuals affected with AMPD1-related conditions. Experimental studies and prediction algorithms are not available or were not evaluated, and the functional significance of this variant is currently unknown. In summary, the available evidence is currently insufficient to determine the role of this variant in disease. Therefore, it has been classified as a Variant of Uncertain Significance.